The following is an entry in ClinVar:

ClinVar aggregate classification (germline): Pathogenic (1 of 4 stars; one submission).

gnomAD v4.1: 6 of 1,614,190 alleles (0.00037%); highest among the groups gnomAD compares: Non-Finnish European, 0.00051%; no homozygotes.

Submission:

Labcorp Genetics (formerly Invitae), Labcorp
Classification: Pathogenic. Last evaluated: 2025-07-29. Review status: criteria provided, single submitter. Criteria: Invitae Variant Classification Sherloc (09022015). Collection method: clinical testing. Allele origin: germline.
Comment: This sequence change creates a premature translational stop signal (p.Cys98*) in the CCBE1 gene. It is expected to result in an absent or disrupted protein product. Loss-of-function variants in CCBE1 are known to be pathogenic (PMID: 19935664, 21778431, 26686525). This variant is not present in population databases (gnomAD no frequency). This variant has not been reported in the literature in individuals affected with CCBE1-related conditions. For these reasons, this variant has been classified as Pathogenic.

Literature cited by the submitters: PubMed 19935664; PubMed 21778431; PubMed 26686525.

NM_133459.4(CCBE1):c.294T>A (p.Cys98Ter)

Gene: CCBE1 (collagen and calcium binding EGF domains 1; minus strand). Cytogenetic location: 18q21.32.
Variant type: single nucleotide variant.
Coding change: c.294T>A on transcript NM_133459.4 (MANE Select); coding-DNA position 294, T replaced by A.
Protein change: p.Cys98Ter; replaces cysteine 98 with a stop codon.
Molecular consequence: nonsense.
Genome position (GRCh38, 1-based): chr18:59,469,579, A>T on the plus strand (T>A on the coding strand, the complement: CCBE1 is on the minus strand). VCF-style: chr18-59469579-A-T. GRCh37 (hg19) VCF-style: chr18-57136811-A-T.
Other names: short protein forms C98*.
Identifiers: ClinVar variation 4724097 (VCV004724097.1).